The following is an entry in ClinVar:

NM_007294.4(BRCA1):c.3851A>G (p.His1284Arg)

Genes: BRCA1 (BRCA1 DNA repair associated; minus strand), LOC126862571 (BRD4-independent group 4 enhancer GRCh37_chr17:41243136-41244335; plus strand). Cytogenetic location: 17q21.31.
Variant type: single nucleotide variant.
Coding change: c.3851A>G on transcript NM_007294.4 (MANE Select); coding-DNA position 3851, A replaced by G.
Protein change: p.His1284Arg; replaces histidine 1284 with arginine.
Molecular consequence: missense variant. On other transcripts: intron variant (135).
Genome position (GRCh38, 1-based): chr17:43,091,680, T>C on the plus strand (A>G on the coding strand, the complement: BRCA1 is on the minus strand). VCF-style: chr17-43091680-T-C. GRCh37 (hg19) VCF-style: chr17-41243697-T-C.
Other names: c.3638A>G, p.His1213Arg (NM_001407571.1, NM_001407853.1, NM_001407894.1 and 9 more transcripts); c.3851A>G, p.His1284Arg (NM_001407581.1, NM_001407582.1, NM_001407583.1 and 30 more transcripts); c.3848A>G, p.His1283Arg (NM_001407587.1, NM_001407590.1, NM_001407591.1 and 22 more transcripts); c.3842A>G, p.His1281Arg (NM_001407646.1, NM_001407647.1); c.3728A>G, p.His1243Arg (NM_001407648.1, NM_001407664.1, NM_001407665.1 and 19 more transcripts); c.3725A>G, p.His1242Arg (NM_001407649.1, NM_001407670.1, NM_001407671.1 and 11 more transcripts); c.3773A>G, p.His1258Arg (NM_001407653.1, NM_001407654.1, NM_001407655.1 and 4 more transcripts); c.3770A>G, p.His1257Arg (NM_001407659.1, NM_001407660.1, NM_001407661.1 and 1 more transcripts); and 41 more; short protein forms H1284R, H1237R, H1156R, H1157R, H1173R, H1195R, H1213R, H1116R.
Identifiers: ClinVar variation 55029 (VCV000055029.5), dbSNP rs80357499, ClinGen allele CA002480.
Genomic context (GRCh38, chr17:43,091,680, plus strand): 5'-TCCAATTCACTGCACTGTGAAGAAAACAAGCTAGCAGAACATTTTGTTTCCTCACTAAGG[T>C]GATGTTCCTGAGATGCCTTTGCCAATATTACCTGGTTACTGCAGTCATTTAAGCTATTCT-3'
Protein context (NP_009225.1, residues 1274-1294): VILAKASQEH[His1284Arg]LSEETKCSAS

ClinVar aggregate classification (germline): Likely benign. Review status: criteria provided, single submitter (1 of 4 stars). 2 submissions from 2 submitters: Likely benign (1). 1 of the submissions does not count toward it. Last evaluated 2023-03-23.

Conditions:
Breast-ovarian cancer, familial, susceptibility to, 1 (BROVCA1). Also called: BRCA1 Hereditary Breast and Ovarian Cancer; OVARIAN CANCER, SUSCEPTIBILITY TO. Identifiers: Orphanet 145, MedGen C2676676, MONDO:0011450, OMIM 604370. Disease mechanism: loss of function.
Hereditary cancer-predisposing syndrome. Also called: Hereditary Cancer Syndrome; Hereditary neoplastic syndrome; Neoplastic Syndromes, Hereditary; Tumor predisposition. Identifiers: Orphanet 140162, MedGen C0027672, MeSH D009386, MONDO:0015356.

Submissions (2):

University of Washington Department of Laboratory Medicine, University of Washington
Classification: Likely benign for Hereditary cancer-predisposing syndrome. Last evaluated: 2023-03-23. Review status: criteria provided, single submitter. Criteria: Dines et al. (Genet Med. 2020). Collection method: curation. Allele origin: germline.
Comment: Missense variant in a coldspot region where missense variants are very unlikely to be pathogenic (PMID:31911673).

BRCA1 coldspot (exon 11 using historical exon numbering). Reclassification based on statistical prior probability

Breast Cancer Information Core (BIC) (BRCA1)
Classification: Uncertain significance for Breast-ovarian cancer, familial 1. Last evaluated: 2004-02-20. Review status: no assertion criteria provided. Collection method: clinical testing. Allele origin: germline. Affected: yes. Observed: 1 variant allele. Not counted in ClinVar's aggregate classification.